The following is an entry in ClinVar:

NM_004360.5(CDH1):c.2582A>G (p.Tyr861Cys)

Gene: CDH1 (cadherin 1; plus strand). Cytogenetic location: 16q22.1.
Variant type: single nucleotide variant.
Coding change: c.2582A>G on transcript NM_004360.5 (MANE Select); coding-DNA position 2582, A replaced by G.
Protein change: p.Tyr861Cys; replaces tyrosine 861 with cysteine.
Molecular consequence: missense variant.
Genome position (GRCh38, 1-based): chr16:68,833,432, A>G. VCF-style: chr16-68833432-A-G. GRCh37 (hg19) VCF-style: chr16-68867335-A-G.
Other names: c.2399A>G, p.Tyr800Cys (NM_001317184.2); c.1034A>G, p.Tyr345Cys (NM_001317185.2); c.617A>G, p.Tyr206Cys (NM_001317186.2); c.2582A>G (NM_004360.3); short protein forms Y861C, Y345C, Y206C, Y800C.
Identifiers: ClinVar variation 1427169 (VCV001427169.7), dbSNP rs1961542515, ClinGen allele CA396472566.

ClinVar aggregate classification (germline): Uncertain significance. Review status: criteria provided, multiple submitters, no conflicts (2 of 4 stars). 2 submissions from 2 submitters: Uncertain significance (2). Last evaluated 2026-02-15.

Conditions:
Hereditary cancer-predisposing syndrome. Also called: Neoplastic Syndromes, Hereditary; Tumor predisposition; Hereditary Cancer Syndrome; Hereditary neoplastic syndrome. Identifiers: Orphanet 140162, MedGen C0027672, MeSH D009386, MONDO:0015356.
Hereditary diffuse gastric adenocarcinoma (HDGC). Also called: DIFFUSE GASTRIC AND LOBULAR BREAST CANCER SYNDROME. Identifiers: Orphanet 26106, MedGen C1708349, MONDO:0007648, OMIM 137215.

Submissions (2):

Ambry Genetics
Classification: Uncertain significance for Hereditary cancer-predisposing syndrome. Last evaluated: 2026-02-15. Review status: criteria provided, single submitter. Criteria: Ambry Variant Classification Scheme 2023. Collection method: clinical testing. Allele origin: germline.
Comment: The p.Y861C variant (also known as c.2582A>G), located in coding exon 16 of the CDH1 gene, results from an A to G substitution at nucleotide position 2582. The tyrosine at codon 861 is replaced by cysteine, an amino acid with highly dissimilar properties. This amino acid position is conserved. In addition, the in silico prediction for this alteration is inconclusive. Based on the available evidence, the clinical significance of this variant remains unclear.

Labcorp Genetics (formerly Invitae), Labcorp
Classification: Uncertain significance for Hereditary diffuse gastric adenocarcinoma. Last evaluated: 2025-01-30. Review status: criteria provided, single submitter. Criteria: Invitae Variant Classification Sherloc (09022015). Collection method: clinical testing. Allele origin: germline.
Comment: This sequence change replaces tyrosine, which is neutral and polar, with cysteine, which is neutral and slightly polar, at codon 861 of the CDH1 protein (p.Tyr861Cys). This variant is not present in population databases (gnomAD no frequency). This variant has not been reported in the literature in individuals affected with CDH1-related conditions. ClinVar contains an entry for this variant (Variation ID: 1427169). An algorithm developed to predict the effect of missense changes on protein structure and function (PolyPhen-2) suggests that this variant is likely to be disruptive. In summary, the available evidence is currently insufficient to determine the role of this variant in disease. Therefore, it has been classified as a Variant of Uncertain Significance.